The following is an entry in ClinVar:

NM_022168.4(IFIH1):c.2857G>A (p.Asp953Asn)

Gene: IFIH1 (interferon induced with helicase C domain 1; minus strand). Cytogenetic location: 2q24.2.
Variant type: single nucleotide variant.
Coding change: c.2857G>A on transcript NM_022168.4 (MANE Select); coding-DNA position 2857, G replaced by A.
Protein change: p.Asp953Asn; replaces aspartic acid 953 with asparagine.
Molecular consequence: missense variant.
Genome position (GRCh38, 1-based): chr2:162,267,520, C>T on the plus strand (G>A on the coding strand, the complement: IFIH1 is on the minus strand). VCF-style: chr2-162267520-C-T. GRCh37 (hg19) VCF-style: chr2-163124030-C-T.
Other names: c.2857G>A, p.Asp953Asn (LRG_1235t1); short protein forms D953N.
Identifiers: ClinVar variation 663134 (VCV000663134.48), dbSNP rs751417093, ClinGen allele CA1934054.
Genomic context (GRCh38, chr2:162,267,520, plus strand): 5'-CCCACAGCAATTTACTCACCTGGCCACATTTGCAGATGATTTCACCATTTATTTGATAGT[C>T]GGCACACTTCTTTTGCAGTGCTTTGTTTTCTCTTACAATGTAAAGTTCCCTATAAGTATC-3'
Protein context (NP_071451.2, residues 943-963): ENKALQKKCA[Asp953Asn]YQINGEIICK

ClinVar aggregate classification (germline): Uncertain significance. Review status: criteria provided, multiple submitters, no conflicts (2 of 4 stars). 4 submissions from 4 submitters: Uncertain significance (4). Last evaluated 2025-12-08.

Conditions:
Singleton-Merten syndrome 1 (SGMRT1). Also called: Widened medullary cavities of bone, aortic calcification, abnormal dentition, and muscular weakness; Syndrome of widened medullary cavities of the metacarpals and phalanges, aortic calcification and abnormal dentition. Identifiers: Orphanet 85191, MedGen C4225427, MONDO:0024535, OMIM 182250.
Immunodeficiency 95 (IMD95). Identifiers: MedGen C5676929, MONDO:0030692, OMIM 619773.
Aicardi-Goutieres syndrome 7 (AGS7). Identifiers: Orphanet 51, MedGen C3888244, MONDO:0014367, OMIM 615846.

Allele frequency attached by ClinVar (database versions not stated): ExAC 0.00002; gnomAD exomes 0.00002; TOPMed 0.00002; gnomAD 0.00003 and 0.00004.
gnomAD v4.1: 27 of 1,613,788 alleles (0.0017%); highest among the groups gnomAD compares: Middle Eastern, 0.082%; no homozygotes.

Submissions (4):

Labcorp Genetics (formerly Invitae), Labcorp
Classification: Uncertain significance for Aicardi-Goutieres syndrome 7; Singleton-Merten syndrome 1. Last evaluated: 2025-12-08. Review status: criteria provided, single submitter. Criteria: Invitae Variant Classification Sherloc (09022015). Collection method: clinical testing. Allele origin: germline.
Comment: This sequence change replaces aspartic acid, which is acidic and polar, with asparagine, which is neutral and polar, at codon 953 of the IFIH1 protein (p.Asp953Asn). This variant is present in population databases (rs751417093, gnomAD 0.004%). This variant has not been reported in the literature in individuals affected with IFIH1-related conditions. ClinVar contains an entry for this variant (Variation ID: 663134). Invitae Evidence Modeling incorporating data from in vitro experimental studies (internal data) indicates that this missense variant is not expected to disrupt IFIH1 function with a negative predictive value of 95%. In summary, the available evidence is currently insufficient to determine the role of this variant in disease. Therefore, it has been classified as a Variant of Uncertain Significance.

Blueprint Genetics
Classification: Uncertain significance. Last evaluated: 2024-07-08. Review status: criteria provided, single submitter. Criteria: ACMG Guidelines, 2015. Collection method: clinical testing. Allele origin: germline.

Fulgent Genetics
Classification: Uncertain significance for Singleton-Merten syndrome 1; Aicardi-Goutieres syndrome 7; Immunodeficiency 95. Last evaluated: 2022-04-06. Review status: criteria provided, single submitter. Criteria: ACMG Guidelines, 2015. Collection method: clinical testing. Allele origin: unknown.

CeGaT Center for Human Genetics Tuebingen
Classification: Uncertain significance. Last evaluated: 2019-11-01. Review status: criteria provided, single submitter. Criteria: CeGaT Center For Human Genetics Tuebingen Variant Classification Criteria Version 2. Collection method: clinical testing. Allele origin: germline. Affected: yes. Observed: 1 variant allele.